The following is an entry in ClinVar:

ClinVar aggregate classification (germline): Conflicting classifications of pathogenicity. Review status: criteria provided, conflicting classifications (1 of 4 stars). 15 submissions from 15 submitters: Likely pathogenic (1); Uncertain significance (8); Likely benign (4). 2 of the submissions do not count toward it. Last evaluated 2025-11-04.

Conditions:
Cardiac arrhythmia. Also called: Cardiac rhythm disease; Arrhythmia. Identifiers: MedGen C0003811, MONDO:0007263, HP:0011675.
Cardiovascular phenotype. Identifiers: MedGen CN230736.
Familial long QT syndrome (RWS). Also called: Romano-Ward syndrome; VENTRICULAR FIBRILLATION WITH PROLONGED QT INTERVAL; Congenital long QT syndrome. Identifiers: Orphanet 768, MedGen C1141890, MONDO:0019171.
Long QT syndrome (LQTS). Identifiers: MedGen C0023976, MeSH D008133, MONDO:0002442. Disease mechanism: loss of function. Inheritance: Various modes of inheritance.
Long QT syndrome 2 (LQT2). Identifiers: Orphanet 101016, Orphanet 768, MedGen C3150943, MONDO:0013367, OMIM 613688.

Allele frequency attached by ClinVar (database versions not stated): gnomAD exomes 0.00010 and 0.00013; TOPMed 0.00022; ExAC 0.00018; gnomAD 0.00019 and 0.00022; ESP Exome Variant Server 0.00023.
gnomAD v4.1: 177 of 1,612,814 alleles (0.011%); highest among the groups gnomAD compares: African/African-American, 0.013%; no homozygotes.

Submissions 1 to 9 of 15:

Color Diagnostics, LLC DBA Color Health
Classification: Likely benign for Cardiac arrhythmia. Last evaluated: 2025-11-04. Review status: criteria provided, single submitter. Criteria: ACMG Guidelines, 2015. Collection method: clinical testing. Allele origin: germline.

Labcorp Genetics (formerly Invitae), Labcorp
Classification: Uncertain significance for Long QT syndrome. Last evaluated: 2025-01-22. Review status: criteria provided, single submitter. Criteria: Invitae Variant Classification Sherloc (09022015). Collection method: clinical testing. Allele origin: germline.
Comment: This sequence change replaces threonine, which is neutral and polar, with isoleucine, which is neutral and non-polar, at codon 983 of the KCNH2 protein (p.Thr983Ile). This variant is present in population databases (rs149955375, gnomAD 0.03%). This missense change has been observed in individual(s) with clinical features of KCNH2-related conditions (PMID: 15840476, 23098067, 29957233, 31737537, 32383558, 32893267). ClinVar contains an entry for this variant (Variation ID: 67455). An algorithm developed to predict the effect of missense changes on protein structure and function (PolyPhen-2) suggests that this variant¬†is likely to be tolerated. Experimental studies have shown that this missense change affects KCNH2 function (PMID: 29957233). In summary, the available evidence is currently insufficient to determine the role of this variant in disease. Therefore, it has been classified as a Variant of Uncertain Significance.

Blueprint Genetics
Classification: Likely benign. Last evaluated: 2024-10-17. Review status: criteria provided, single submitter. Criteria: ACMG Guidelines, 2015. Collection method: clinical testing. Allele origin: germline.

CeGaT Center for Human Genetics Tuebingen
Classification: Uncertain significance. Last evaluated: 2024-10-01. Review status: criteria provided, single submitter. Criteria: CeGaT Center For Human Genetics Tuebingen Variant Classification Criteria Version 2. Collection method: clinical testing. Allele origin: germline. Affected: yes. Observed: 1 variant allele.

All of Us Research Program, National Institutes of Health
Classification: Uncertain significance for Long QT syndrome. Last evaluated: 2024-09-23. Review status: criteria provided, single submitter. Criteria: ACMG Guidelines, 2015. Collection method: clinical testing. Allele origin: germline. Inheritance: Autosomal dominant inheritance. Observed: 71 variant alleles, 71 heterozygotes.
Comment: This missense variant replaces threonine with isoleucine at codon 983 of the KCNH2 protein. Computational prediction suggests that this variant may have a deleterious impact on protein structure and function (internally defined REVEL score threshold >= 0.7, PMID: 27666373). In an experimental study using genome-editing technology with cardiomyocytes derived from induced human pluripotent stem cells (iPSC-CMs), this variant was demonstrated to cause abnormal electrophysiological profiles suggestive of hallmark LQTS phenotype (PMID: 29957233). However, another study using a high-throughput patch-clamp assay found that this variant does not affect channel function (PMID: 38219013). This variant has been reported in several individuals affected with long QT syndrome (PMID: 15840476, 23098067, 29957233, 32893267) and short QT syndrome (PMID: 23266818), as well as in an individual affected with Andersen Tawil syndrome (PMID: 32843460) who also carried a pathogenic variant KCNJ2 p.Arg218Gln (ClinVar variation ID: 67585). Additionally, it has been identified in a few unaffected individuals (PMID: 22378279, 26746457), and has been reported to not be associated with a prolonged QTc interval in the Icelandic population (PMID: 37449562). This variant occurs at an elevated allele frequency in the general population and has been identified in 40/276956 chromosomes by the Genome Aggregation Database (gnomAD). The available evidence is insufficient to determine the role of this variant in disease conclusively. Therefore, this variant is classified as a Variant of Uncertain Significance.

This study involves interpretation of variants in research participants for the purpose of population health screening. Participant phenotype was not available at the time of variant classification. Additional details can be found in publication PMID: 35346344, PMCID: PMC8962531

Ambry Genetics
Classification: Likely benign for Cardiovascular phenotype. Last evaluated: 2022-10-26. Review status: criteria provided, single submitter. Criteria: Ambry Variant Classification Scheme 2023. Collection method: clinical testing. Allele origin: germline.

Petrovsky National Research Centre of Surgery, The Federal Agency for Scientific Organizations
Classification: Likely pathogenic for Long QT syndrome 2. Last evaluated: 2021-12-17. Review status: criteria provided, single submitter. Criteria: ACMG Guidelines, 2015. Collection method: clinical testing. Allele origin: unknown. Affected: yes. Observed: 1 compound heterozygote.
Comment: The genetic variant p.T983I in the KCNH2 gene has also been previously described in databases with conflicting interpretations. Only 40 heterozygous carriers of this variant (and no homozygous cases) are reported in gnomAD with an overall population frequency of 0.0144%. In the Human Genome Mutations Database, the variant is reported as a mutation (HGMD CM055295) The computational interpretation of pathogenicity was controversial (SIFT: tolerated, PolyPhen-2: probably damaging, MutationTaster: disease-causing). However, in 2018, Garg et al. reported a functional study of iPSC-derived cardiomyocytes with the KCNH2 p.T983I variant obtained from a patient with QTc prolongation and a history of presyncope. Patch-clamp revealed prolongation of action potential duration and reduced rapidly-activating delayed rectifier K+ current (IKr) density in T983I-cardiomyocytes. Our patient’s phenotype is consistent with that in the study, and the results of this functional study allow us to classify the p.T983I variant as likely pathogenic.

Illumina Laboratory Services, Illumina
Classification: Uncertain significance for Long QT syndrome 2. Last evaluated: 2019-05-02. Review status: criteria provided, single submitter. Criteria: ICSL Variant Classification Criteria 13 December 2019. Collection method: clinical testing. Allele origin: germline.
Comment: This variant was observed as part of a predisposition screen in an ostensibly healthy population. A literature search was performed for the gene, cDNA change, and amino acid change (where applicable). Publications were found based on this search. However, the evidence from the literature, in combination with allele frequency data from public databases where available, was not sufficient to rule this variant in or out of causing disease. Therefore, this variant is classified as a variant of unknown significance.

GeneDx
Classification: Uncertain significance. Last evaluated: 2018-07-05. Review status: criteria provided, single submitter. Criteria: GeneDx Variant Classification (06012015). Collection method: clinical testing. Allele origin: germline. Affected: yes.
Comment: p.Thr983Ile (ACT>ATT): c.2948 C>T in exon 12 of the KCNH2 (HERG) gene (NM_000238.2). The T983I mutation in the KCNH2 gene has been reported previously in one individual diagnosed with LQTS and it was absent from 1,488 control alleles from individuals of various ethnic backgrounds (Tester D et al., 2005). In addition, the T983I mutation was not observed with any significant frequency in approximately 6,000 individuals of European and African American ancestry in the NHLBI Exome Sequencing Project. T983I results in a non-conservative amino acid substitution, which is likely to impact secondary protein structure as these residues differ in polarity, charge, size and/or other properties. The T983 residue is conserved across species. In silico analysis predicts T983I is probably damaging to the protein structure/function. Furthermore, mutations in nearby residues in the C-terminus (P968L, N996I) have also been reported in association with LQTS, further supporting the functional importance of this region of the protein . T983I also has been observed in three other unrelated individuals tested for LQTS at GeneDx.In summary, T983I in the KCNH2 gene is interpreted as a disease-causing mutation. The variant is found in LQT panel(s).

NM_000238.4(KCNH2):c.2948C>T (p.Thr983Ile)

Gene: KCNH2 (potassium voltage-gated channel subfamily H member 2; minus strand). Cytogenetic location: 7q36.1.
Variant type: single nucleotide variant.
Coding change: c.2948C>T on transcript NM_000238.4 (MANE Select); coding-DNA position 2948, C replaced by T.
Protein change: p.Thr983Ile; replaces threonine 983 with isoleucine.
Molecular consequence: missense variant. On other transcripts: non-coding transcript variant (2).
Genome position (GRCh38, 1-based): chr7:150,947,623, G>A on the plus strand (C>T on the coding strand, the complement: KCNH2 is on the minus strand). VCF-style: chr7-150947623-G-A. GRCh37 (hg19) VCF-style: chr7-150644711-G-A.
Other names: p.T983I:ACT>ATT; p.T983I; c.2948C>T (LRG_288t1); c.2660C>T, p.Thr887Ile (NM_001406753.1); c.1928C>T, p.Thr643Ile (NM_172057.3); short protein forms T643I, T983I, T887I.
Identifiers: ClinVar variation 67455 (VCV000067455.59), dbSNP rs149955375, ClinGen allele CA007674.